The following is an entry in ClinVar:

NM_018489.3(ASH1L):c.4279A>G (p.Met1427Val)

Gene: ASH1L (ASH1 like histone lysine methyltransferase; minus strand). Cytogenetic location: 1q22.
Variant type: single nucleotide variant.
Coding change: c.4279A>G on transcript NM_018489.3 (MANE Select); coding-DNA position 4279, A replaced by G.
Protein change: p.Met1427Val; replaces methionine 1427 with valine.
Molecular consequence: missense variant.
Genome position (GRCh38, 1-based): chr1:155,478,591, T>C on the plus strand (A>G on the coding strand, the complement: ASH1L is on the minus strand). VCF-style: chr1-155478591-T-C. GRCh37 (hg19) VCF-style: chr1-155448382-T-C.
Other names: c.4279A>G, p.Met1427Val (NM_001366177.2); c.4279A>G (NM_018489.2); short protein forms M1427V.
Identifiers: ClinVar variation 2570738 (VCV002570738.27), dbSNP rs1558146829, ClinGen allele CA342703494.
Genomic context (GRCh38, chr1:155,478,591, plus strand): 5'-GTAGCTTATGCTTTTTCTTATGGTATTTGGCAGGATTGAGAAGTAAATGACCAGCATGCA[T>C]ATAGGAAGGAGGTGGAAGTGGCGTGGTGAAAGAAGGAGATGGAGGAGGTGGATAAAGAGT-3'
Protein context (NP_060959.2, residues 1417-1437): FTTPLPPPSY[Met1427Val]HAGHLLLNPA

ClinVar aggregate classification (germline): Conflicting classifications of pathogenicity. Review status: criteria provided, conflicting classifications (1 of 4 stars). 2 submissions from 2 submitters: Uncertain significance (1); Likely benign (1). Last evaluated 2023-10-10.

Conditions:
ASH1L-related disorder. Also called: ASH1L-related condition.

Allele frequency attached by ClinVar (database versions not stated): gnomAD 0.00001; gnomAD exomes 0.00001.

Submissions (2):

PreventionGenetics, part of Exact Sciences
Classification: Uncertain significance for ASH1L-related condition. Last evaluated: 2023-10-10. Review status: criteria provided, single submitter. Criteria: ACMG Guidelines, 2015. Collection method: clinical testing. Allele origin: germline.
Comment: The ASH1L c.4279A>G variant is predicted to result in the amino acid substitution p.Met1427Val. To our knowledge, this variant has not been reported in the literature. This variant is reported in 0.00088% of alleles in individuals of European (Non-Finnish) descent in gnomAD. At this time, the clinical significance of this variant is uncertain due to the absence of conclusive functional and genetic evidence.

CeGaT Center for Human Genetics Tuebingen
Classification: Likely benign. Last evaluated: 2023-06-01. Review status: criteria provided, single submitter. Criteria: CeGaT Center For Human Genetics Tuebingen Variant Classification Criteria Version 2. Collection method: clinical testing. Allele origin: germline. Affected: yes. Observed: 1 variant allele.
Comment: ASH1L: PP2, BS2